The following is an entry in ClinVar:

ClinVar aggregate classification (germline): Uncertain significance (1 of 4 stars; one submission).

Submission:

GeneDx
Classification: Uncertain significance. Last evaluated: 2024-09-03. Review status: criteria provided, single submitter. Criteria: GeneDx Variant Classification Process June 2021. Collection method: clinical testing. Allele origin: germline. Affected: yes.
Comment: Not observed at significant frequency in large population cohorts (gnomAD); In silico analysis supports a deleterious effect on splicing; Has not been previously published as pathogenic or benign to our knowledge

NM_003978.5(PSTPIP1):c.354G>A (p.Lys118=)

Gene: PSTPIP1 (proline-serine-threonine phosphatase interacting protein 1; plus strand). Cytogenetic location: 15q24.3.
Variant type: single nucleotide variant.
Coding change: c.354G>A on transcript NM_003978.5 (MANE Select); coding-DNA position 354, G replaced by A.
Protein change: p.Lys118=; no amino-acid change (lysine 118 retained).
Molecular consequence: synonymous variant. On other transcripts: non-coding transcript variant (1).
Genome position (GRCh38, 1-based): chr15:77,025,604, G>A. VCF-style: chr15-77025604-G-A. GRCh37 (hg19) VCF-style: chr15-77317945-G-A.
Other names: c.354G>A, p.Lys118= (NM_001321135.2, NM_001411086.1); c.327G>A, p.Lys109= (NM_001321136.2); c.549G>A, p.Lys183= (NM_001321137.1).
Identifiers: ClinVar variation 3766030 (VCV003766030.1).